The following is an entry in ClinVar:

ClinVar aggregate classification (germline): Pathogenic/Likely pathogenic. Review status: criteria provided, multiple submitters, no conflicts (2 of 4 stars). 2 submissions from 2 submitters: Pathogenic (1); Likely pathogenic (1). Last evaluated 2025-01-15.

Conditions:
Spastic paraplegia. Identifiers: MedGen C0037772, HP:0001258.
Hereditary spastic paraplegia 35. Also called: Spastic paraplegia 35; SPASTIC PARAPLEGIA 35, AUTOSOMAL RECESSIVE, WITH OR WITHOUT NEURODEGENERATION; LEUKODYSTROPHY, DYSMYELINATING, AND SPASTIC PARAPARESIS WITH OR WITHOUT DYSTONIA; Spastic paraplegia 35, autosomal recessive. Identifiers: Orphanet 171629, MedGen C3496228, MONDO:0012866, OMIM 612319.

Submissions (2):

Labcorp Genetics (formerly Invitae), Labcorp
Classification: Pathogenic for Spastic paraplegia. Last evaluated: 2025-01-15. Review status: criteria provided, single submitter. Criteria: Invitae Variant Classification Sherloc (09022015). Collection method: clinical testing. Allele origin: germline.
Comment: This sequence change creates a premature translational stop signal (p.Thr314Ilefs*38) in the FA2H gene. While this is not anticipated to result in nonsense mediated decay, it is expected to disrupt the last 59 amino acid(s) of the FA2H protein. This variant is not present in population databases (gnomAD no frequency). This variant has not been reported in the literature in individuals affected with FA2H-related conditions. ClinVar contains an entry for this variant (Variation ID: 1041793). This variant disrupts a region of the FA2H protein in which other variant(s) (p.Pro323Leu) have been determined to be pathogenic (PMID: 22965561, 31135052, 31407473, 35872528). This suggests that this is a clinically significant region of the protein, and that variants that disrupt it are likely to be disease-causing. For these reasons, this variant has been classified as Pathogenic.

Revvity Omics, Revvity
Classification: Likely pathogenic for Hereditary spastic paraplegia 35. Last evaluated: 2020-07-26. Review status: criteria provided, single submitter. Criteria: ACMG Guidelines, 2015. Collection method: clinical testing. Allele origin: germline.

Literature cited by the submitters: PubMed 22965561 (cited by Labcorp Genetics (formerly Invitae), Labcorp); PubMed 31135052 (cited by Labcorp Genetics (formerly Invitae), Labcorp); PubMed 31407473 (cited by Labcorp Genetics (formerly Invitae), Labcorp); PubMed 35872528 (cited by Labcorp Genetics (formerly Invitae), Labcorp).

NM_024306.5(FA2H):c.941_945del (p.Thr314fs)

Gene: FA2H (fatty acid 2-hydroxylase; minus strand). Cytogenetic location: 16q23.1.
Variant type: Deletion.
Coding change: c.941_945del on transcript NM_024306.5 (MANE Select); coding-DNA positions 941 to 945, 5 bases deleted (CCCAT; older notation c.941_945delCCCAT).
Protein change: p.Thr314fs; shifts the reading frame from threonine 314.
Molecular consequence: frameshift variant.
Genome position (GRCh38, 1-based): chr16:74,716,441-74,716,445, ATGGG deleted on the plus strand (CCCAT on the coding strand, the reverse complement: FA2H is on the minus strand). VCF-style (leftmost placement, unchanged base first): chr16-74716440-AATGGG-A. GRCh37 (hg19) VCF-style: chr16-74750338-AATGGG-A.
Other names: short protein forms T314fs.
Identifiers: ClinVar variation 1041793 (VCV001041793.12), dbSNP rs1961700181, ClinGen allele CA2232950239.